The following is an entry in ClinVar:

NM_005732.4(RAD50):c.2462T>C (p.Leu821Ser)

Gene: RAD50 (RAD50 double strand break repair protein; plus strand). Cytogenetic location: 5q31.1.
Variant type: single nucleotide variant.
Coding change: c.2462T>C on transcript NM_005732.4 (MANE Select); coding-DNA position 2462, T replaced by C.
Protein change: p.Leu821Ser; replaces leucine 821 with serine.
Molecular consequence: missense variant.
Genome position (GRCh38, 1-based): chr5:132,603,984, T>C. VCF-style: chr5-132603984-T-C. GRCh37 (hg19) VCF-style: chr5-131939676-T-C.
Other names: c.2462T>C (NM_005732.3); short protein forms L821S.
Identifiers: ClinVar variation 2414376 (VCV002414376.7), dbSNP rs150973768, ClinGen allele CA127258040.

ClinVar aggregate classification (germline): Uncertain significance. Review status: criteria provided, multiple submitters, no conflicts (2 of 4 stars). 2 submissions from 2 submitters: Uncertain significance (2). Last evaluated 2025-03-10.

Conditions:
Hereditary cancer-predisposing syndrome. Also called: Tumor predisposition; Hereditary Cancer Syndrome; Neoplastic Syndromes, Hereditary; Hereditary neoplastic syndrome. Identifiers: Orphanet 140162, MedGen C0027672, MeSH D009386, MONDO:0015356.

Allele frequency attached by ClinVar (database versions not stated): TOPMed below 0.00001; ESP Exome Variant Server 0.00008.

Submissions (2):

Ambry Genetics
Classification: Uncertain significance for Hereditary cancer-predisposing syndrome. Last evaluated: 2025-03-10. Review status: criteria provided, single submitter. Criteria: Ambry Variant Classification Scheme 2023. Collection method: clinical testing. Allele origin: germline.
Comment: The p.L821S variant (also known as c.2462T>C), located in coding exon 15 of the RAD50 gene, results from a T to C substitution at nucleotide position 2462. The leucine at codon 821 is replaced by serine, an amino acid with dissimilar properties. This amino acid position is conserved. In addition, this alteration is predicted to be deleterious by in silico analysis. Based on the available evidence, the clinical significance of this variant remains unclear.

Labcorp Genetics (formerly Invitae), Labcorp
Classification: Uncertain significance for Hereditary cancer-predisposing syndrome. Last evaluated: 2022-09-14. Review status: criteria provided, single submitter. Criteria: Invitae Variant Classification Sherloc (09022015). Collection method: clinical testing. Allele origin: germline.
Comment: In summary, the available evidence is currently insufficient to determine the role of this variant in disease. Therefore, it has been classified as a Variant of Uncertain Significance. Advanced modeling of protein sequence and biophysical properties (such as structural, functional, and spatial information, amino acid conservation, physicochemical variation, residue mobility, and thermodynamic stability) performed at Invitae indicates that this missense variant is not expected to disrupt RAD50 protein function. This variant has not been reported in the literature in individuals affected with RAD50-related conditions. This variant is not present in population databases (gnomAD no frequency). This sequence change replaces leucine, which is neutral and non-polar, with serine, which is neutral and polar, at codon 821 of the RAD50 protein (p.Leu821Ser).